The following is an entry in ClinVar:

NM_030957.4(ADAMTS10):c.964G>A (p.Val322Met)

Gene: ADAMTS10 (ADAM metallopeptidase with thrombospondin type 1 motif 10; minus strand). Cytogenetic location: 19p13.2.
Variant type: single nucleotide variant.
Coding change: c.964G>A on transcript NM_030957.4 (MANE Select); coding-DNA position 964, G replaced by A.
Protein change: p.Val322Met; replaces valine 322 with methionine.
Molecular consequence: missense variant.
Genome position (GRCh38, 1-based): chr19:8,597,063, C>T on the plus strand (G>A on the coding strand, the complement: ADAMTS10 is on the minus strand). VCF-style: chr19-8597063-C-T. GRCh37 (hg19) VCF-style: chr19-8661947-C-T.
Other names: c.964G>A (NM_030957.2); short protein forms V322M.
Identifiers: ClinVar variation 1974313 (VCV001974313.3), dbSNP rs782238413, ClinGen allele CA9160682.
Genomic context (GRCh38, chr19:8,597,063, plus strand): 5'-CTGTGTCATGGTTAGCCACACCGTTCTCTGGAATGGCATTGCCATGGCCGCTGTGGTTCA[C>T]GATGGATTTCTGCCACTTACAGAAGCTGTCCAGGGACTTCCCGGCATGGTGGGTGATCTC-3'
Protein context (NP_112219.3, residues 312-332): DSFCKWQKSI[Val322Met]NHSGHGNAIP

ClinVar aggregate classification (germline): Uncertain significance. Review status: criteria provided, multiple submitters, no conflicts (2 of 4 stars). 2 submissions from 2 submitters: Uncertain significance (2). Last evaluated 2024-09-08.

Conditions:
Inborn genetic diseases. Identifiers: MedGen C0950123, MeSH D030342.

Allele frequency attached by ClinVar (database versions not stated): ExAC 0.00001; gnomAD exomes 0.00002; TOPMed 0.00002; gnomAD 0.00003.
gnomAD v4.1: 26 of 1,614,070 alleles (0.0016%); highest among the groups gnomAD compares: East Asian, 0.0022%; no homozygotes.

Submissions (2):

Ambry Genetics
Classification: Uncertain significance for Inborn genetic diseases. Last evaluated: 2024-09-08. Review status: criteria provided, single submitter. Criteria: Ambry Variant Classification Scheme 2023. Collection method: clinical testing. Allele origin: germline.

Labcorp Genetics (formerly Invitae), Labcorp
Classification: Uncertain significance. Last evaluated: 2022-08-17. Review status: criteria provided, single submitter. Criteria: Invitae Variant Classification Sherloc (09022015). Collection method: clinical testing. Allele origin: germline.
Comment: This sequence change replaces valine, which is neutral and non-polar, with methionine, which is neutral and non-polar, at codon 322 of the ADAMTS10 protein (p.Val322Met). This variant is present in population databases (rs782238413, gnomAD 0.004%). This variant has not been reported in the literature in individuals affected with ADAMTS10-related conditions. Algorithms developed to predict the effect of missense changes on protein structure and function output the following: SIFT: "Deleterious"; PolyPhen-2: "Benign"; Align-GVGD: "Class C0". The methionine amino acid residue is found in multiple mammalian species, which suggests that this missense change does not adversely affect protein function. In summary, the available evidence is currently insufficient to determine the role of this variant in disease. Therefore, it has been classified as a Variant of Uncertain Significance.